The following is an entry in ClinVar:

NM_013382.7(POMT2):c.1383= (p.Arg461=)

Gene: POMT2 (protein O-mannosyltransferase 2; minus strand). Cytogenetic location: 14q24.3.
Variant type: single nucleotide variant.
Coding change: c.1383= on transcript NM_013382.7 (MANE Select); coding-DNA position 1383, no change from the reference sequence.
Protein change: p.Arg461=; no amino-acid change (arginine 461 retained).
Molecular consequence: no sequence alteration.
Genome position: GRCh38 VCF-style: chr14-77285582-C-C. GRCh37 (hg19) VCF-style: chr14-77751925-C-C.
Other names: p.R461R:AGA>AGG.
Identifiers: ClinVar variation 138786 (VCV000138786.12), dbSNP rs2270419.

ClinVar aggregate classification (germline): Benign. Review status: criteria provided, multiple submitters, no conflicts (2 of 4 stars). 3 submissions from 3 submitters: Benign (3). Last evaluated 2026-02-04.

Conditions:
Muscular dystrophy-dystroglycanopathy (congenital with brain and eye anomalies), type A2. Also called: WALKER-WARBURG SYNDROME OR MUSCLE-EYE-BRAIN DISEASE, POMT2-RELATED; MUSCULAR DYSTROPHY-DYSTROGLYCANOPATHY (CONGENITAL WITH BRAIN AND EYE ANOMALIES), TYPE A, 2. Identifiers: Orphanet 588, Orphanet 899, MedGen C3150411, MONDO:0013154, OMIM 613150.
Muscular dystrophy-dystroglycanopathy (congenital with impaired intellectual development), type B, 2. Also called: MUSCULAR DYSTROPHY, CONGENITAL, POMT2-RELATED; Muscular dystrophy-dystroglycanopathy (congenital with intellectual disability), type B2. Identifiers: MedGen C3150416, MONDO:0013160, OMIM 613156.
Autosomal recessive limb-girdle muscular dystrophy type 2N. Also called: MUSCULAR DYSTROPHY-DYSTROGLYCANOPATHY, LIMB-GIRDLE, POMT2-RELATED; Muscular dystrophy-dystroglycanopathy (limb-girdle), type C, 2. Identifiers: Orphanet 206559, MedGen C3150418, MONDO:0013162, OMIM 613158.

Allele frequency attached by ClinVar (database versions not stated): 1000 Genomes Project 0.14177; TOPMed 0.17502; ExAC 0.17918; gnomAD exomes 0.18199 and 0.19570; 1000 Genomes Project 30x 0.14366; gnomAD 0.17126 and 0.17174; ESP Exome Variant Server 0.17200.

Submissions (3):

Labcorp Genetics (formerly Invitae), Labcorp
Classification: Benign for Muscular dystrophy-dystroglycanopathy (congenital with impaired intellectual development), type B, 2; Muscular dystrophy-dystroglycanopathy (congenital with brain and eye anomalies), type A2; Autosomal recessive limb-girdle muscular dystrophy type 2N. Last evaluated: 2026-02-04. Review status: criteria provided, single submitter. Criteria: Invitae Variant Classification Sherloc (09022015). Collection method: clinical testing. Allele origin: germline.

Athena Diagnostics
Classification: Benign. Last evaluated: 2017-05-08. Review status: criteria provided, single submitter. Criteria: Athena Diagnostics Criteria. Collection method: clinical testing. Allele origin: germline.

GeneDx
Classification: Benign. Last evaluated: 2013-10-30. Review status: criteria provided, single submitter. Criteria: GeneDx Variant Classification (06012015). Collection method: clinical testing. Allele origin: germline. Affected: yes.
Comment: This variant is considered likely benign or benign based on one or more of the following criteria: it is a conservative change, it occurs at a poorly conserved position in the protein, it is predicted to be benign by multiple in silico algorithms, and/or has population frequency not consistent with disease.